The following is an entry in ClinVar:

NM_024411.5(PDYN):c.*836C>G

Genes: PDYN (prodynorphin; minus strand), PDYN-AS1 (PDYN antisense RNA 1; plus strand). Cytogenetic location: 20p13.
Variant type: single nucleotide variant.
Coding change: c.*836C>G on transcript NM_024411.5 (MANE Select); 836 bases downstream of the stop codon, C replaced by G.
Molecular consequence: 3 prime UTR variant.
Genome position (GRCh38, 1-based): chr20:1,979,487, G>C on the plus strand (C>G on the coding strand, the complement: PDYN is on the minus strand). VCF-style: chr20-1979487-G-C. GRCh37 (hg19) VCF-style: chr20-1960133-G-C.
Other names: c.*836C>G (NM_001190892.1, NM_001190898.3, NM_001190899.2 and 1 more transcripts).
Identifiers: ClinVar variation 337817 (VCV000337817.5), dbSNP rs80315813, ClinGen allele CA10649391.

ClinVar aggregate classification (germline): Benign (1 of 4 stars; one submission).

Conditions:
Spinocerebellar ataxia type 23 (SCA23). Identifiers: Orphanet 101108, MedGen C1853250, MONDO:0012449, OMIM 610245.

Allele frequency attached by ClinVar (database versions not stated): gnomAD 0.00016 and 0.00024; TOPMed 0.00036; 1000 Genomes Project 30x 0.00125; 1000 Genomes Project 0.00140.

Submission:

Illumina Laboratory Services, Illumina
Classification: Benign for Spinocerebellar ataxia type 23. Last evaluated: 2018-01-13. Review status: criteria provided, single submitter. Criteria: ICSL Variant Classification Criteria 13 December 2019. Collection method: clinical testing. Allele origin: germline.
Comment: This variant was observed in the ICSL laboratory as part of a predisposition screen in an ostensibly healthy population. It had not been previously curated by ICSL or reported in the Human Gene Mutation Database (HGMD: prior to June 1st, 2018), and was therefore a candidate for classification through an automated scoring system. Utilizing variant allele frequency, disease prevalence and penetrance estimates, and inheritance mode, an automated score was calculated to assess if this variant is too frequent to cause the disease. Based on the score and internal cut-off values, a variant classified as benign is not then subjected to further curation. The score for this variant resulted in a classification of benign for this disease.